The following is an entry in ClinVar:

NM_145020.5(CFAP53):c.737A>T (p.Gln246Leu)

Gene: CFAP53 (cilia and flagella associated protein 53; minus strand). Cytogenetic location: 18q21.1.
Variant type: single nucleotide variant.
Coding change: c.737A>T on transcript NM_145020.5 (MANE Select); coding-DNA position 737, A replaced by T.
Protein change: p.Gln246Leu; replaces glutamine 246 with leucine.
Molecular consequence: missense variant.
Genome position (GRCh38, 1-based): chr18:50,251,521, T>A on the plus strand (A>T on the coding strand, the complement: CFAP53 is on the minus strand). VCF-style: chr18-50251521-T-A. GRCh37 (hg19) VCF-style: chr18-47777891-T-A.
Other names: short protein forms Q246L.
Identifiers: ClinVar variation 1512604 (VCV001512604.6), dbSNP rs776670631, ClinGen allele CA8962323.
Genomic context (GRCh38, chr18:50,251,521, plus strand): 5'-CAAGCATTTTAAAGGCCCACCACAAGGCGTGCCTCCTCTTCCTTCAGCAGCTGTGTCGCC[T>A]GCCTTTGTGCCTTGATGCTGGTGATCTGGGCATTCAGCCCCAGGCGTGTGTTCTCCATCA-3'
Protein context (NP_659457.2, residues 236-256): AQITSIKAQR[Gln246Leu]ATQLLKEEEA

ClinVar aggregate classification (germline): Uncertain significance (1 of 4 stars; one submission).

Conditions:
Heterotaxy, visceral, 6, autosomal (HTX6). Also called: Heterotaxy, visceral, 6, autosomal recessive. Identifiers: Orphanet 450, MedGen C3553676, MONDO:0013887, OMIM 614779.

Allele frequency attached by ClinVar (database versions not stated): ExAC 0.00002; gnomAD exomes 0.00002 and 0.00004; TOPMed 0.00003.
gnomAD v4.1: 9 of 1,614,098 alleles (0.00056%); highest among the groups gnomAD compares: Admixed American, 0.015%; no homozygotes.

Submission:

Labcorp Genetics (formerly Invitae), Labcorp
Classification: Uncertain significance for Heterotaxy, visceral, 6, autosomal. Last evaluated: 2020-11-11. Review status: criteria provided, single submitter. Criteria: Invitae Variant Classification Sherloc (09022015). Collection method: clinical testing. Allele origin: germline.
Comment: This sequence change replaces glutamine with leucine at codon 246 of the CFAP53 protein (p.Gln246Leu). The glutamine residue is moderately conserved and there is a moderate physicochemical difference between glutamine and leucine. This variant is present in population databases (rs776670631, ExAC 0.03%). This variant has not been reported in the literature in individuals with CFAP53-related conditions. In summary, the available evidence is currently insufficient to determine the role of this variant in disease. Therefore, it has been classified as a Variant of Uncertain Significance. Algorithms developed to predict the effect of missense changes on protein structure and function are either unavailable or do not agree on the potential impact of this missense change (SIFT: "Not Available"; PolyPhen-2: "Benign"; Align-GVGD: "Not Available").